The following is an entry in ClinVar:

ClinVar aggregate classification (germline): Benign. Review status: criteria provided, multiple submitters, no conflicts (2 of 4 stars). 3 submissions from 3 submitters: Benign (2). 1 of the submissions does not count toward it. Last evaluated 2018-01-31.

Conditions:
CLPTM1-related disorder. Also called: CLPTM1-related condition.

Allele frequency attached by ClinVar (database versions not stated): 1000 Genomes Project 0.00180; 1000 Genomes Project 30x 0.00187; TOPMed 0.00590; ESP Exome Variant Server 0.00646; gnomAD exomes 0.00731 and 0.00778; ExAC 0.00763; gnomAD 0.00764 and 0.00790.
gnomAD v4.1: 12,386 of 1,614,098 alleles (0.77%); highest among the groups gnomAD compares: Non-Finnish European, 0.89%; 116 homozygotes.

Submissions (3):

Labcorp Genetics (formerly Invitae), Labcorp
Classification: Benign. Last evaluated: 2018-01-31. Review status: criteria provided, single submitter. Criteria: Invitae Variant Classification Sherloc (09022015). Collection method: clinical testing. Allele origin: germline.

Breakthrough Genomics
Classification: Benign. Review status: criteria provided, single submitter. Criteria: ACMG Guidelines, 2015. Collection method: not provided. Allele origin: germline. Inheritance: Unknown mechanism. Affected: yes.

PreventionGenetics, part of Exact Sciences
Classification: Benign for CLPTM1-related condition. Last evaluated: 2019-04-03. Review status: no assertion criteria provided. Collection method: clinical testing. Allele origin: germline. Not counted in ClinVar's aggregate classification.
Comment: This variant is classified as benign based on ACMG/AMP sequence variant interpretation guidelines (Richards et al. 2015 PMID: 25741868, with internal and published modifications).

NM_001294.4(CLPTM1):c.345T>C (p.Phe115=)

Gene: CLPTM1 (CLPTM1 regulator of GABA type A receptor forward trafficking; plus strand). Cytogenetic location: 19q13.32.
Variant type: single nucleotide variant.
Coding change: c.345T>C on transcript NM_001294.4 (MANE Select); coding-DNA position 345, T replaced by C.
Protein change: p.Phe115=; no amino-acid change (phenylalanine 115 retained).
Molecular consequence: synonymous variant.
Genome position (GRCh38, 1-based): chr19:44,974,474, T>C. VCF-style: chr19-44974474-T-C. GRCh37 (hg19) VCF-style: chr19-45477731-T-C.
Other names: c.303T>C, p.Phe101= (NM_001282175.2); c.39T>C, p.Phe13= (NM_001282176.2).
Identifiers: ClinVar variation 708251 (VCV000708251.6), dbSNP rs11541461, ClinGen allele CA9506808.